The following is an entry in ClinVar:

NM_003072.5(SMARCA4):c.4402G>T (p.Ala1468Ser)

Gene: SMARCA4 (SWI/SNF related BAF chromatin remodeling complex subunit ATPase 4; plus strand). Cytogenetic location: 19p13.2.
Variant type: single nucleotide variant.
Coding change: c.4402G>T on transcript NM_003072.5 (MANE Select); coding-DNA position 4402, G replaced by T.
Protein change: p.Ala1468Ser; replaces alanine 1468 with serine.
Molecular consequence: missense variant. On other transcripts: non-coding transcript variant (1).
Genome position (GRCh38, 1-based): chr19:11,041,538, G>T. VCF-style: chr19-11041538-G-T. GRCh37 (hg19) VCF-style: chr19-11152214-G-T.
Other names: c.4402G>T, p.Ala1468Ser (NM_001128844.3); c.4312G>T, p.Ala1438Ser (NM_001128845.2, NM_001128846.2); c.4303G>T, p.Ala1435Ser (NM_001128847.4, NM_001128848.2, NM_001374457.1); c.4498G>T, p.Ala1500Ser (NM_001128849.3); short protein forms A1435S, A1438S, A1468S, A1500S.
Identifiers: ClinVar variation 824943 (VCV000824943.15), dbSNP rs1600469287, ClinGen allele CA404074162.

ClinVar aggregate classification (germline): Conflicting classifications of pathogenicity. Review status: criteria provided, conflicting classifications (1 of 4 stars). 3 submissions from 3 submitters: Uncertain significance (2); Likely benign (1). Last evaluated 2025-01-29.

Conditions:
Intellectual disability, autosomal dominant 16 (CSS4). Also called: COFFIN-SIRIS SYNDROME 4. Identifiers: Orphanet 1465, MedGen C3553249, MONDO:0013821, OMIM 614609.
Rhabdoid tumor predisposition syndrome 2 (RTPS2). Identifiers: Orphanet 231108, Orphanet 69077, MedGen C2750074, MONDO:0013224, OMIM 613325.
Hereditary cancer-predisposing syndrome. Also called: Neoplastic Syndromes, Hereditary; Tumor predisposition; Hereditary neoplastic syndrome; Hereditary Cancer Syndrome. Identifiers: Orphanet 140162, MedGen C0027672, MeSH D009386, MONDO:0015356.

Allele frequency attached by ClinVar (database versions not stated): gnomAD exomes below 0.00001.
gnomAD v4.1: 1 of 1,613,672 alleles (0.000062%); highest among the groups gnomAD compares: Non-Finnish European, 0.000085%; no homozygotes.

Submissions (3):

Labcorp Genetics (formerly Invitae), Labcorp
Classification: Uncertain significance for Rhabdoid tumor predisposition syndrome 2. Last evaluated: 2025-01-29. Review status: criteria provided, single submitter. Criteria: Invitae Variant Classification Sherloc (09022015). Collection method: clinical testing. Allele origin: germline.
Comment: This sequence change replaces alanine, which is neutral and non-polar, with serine, which is neutral and polar, at codon 1500 of the SMARCA4 protein (p.Ala1500Ser). This variant is not present in population databases (gnomAD no frequency). This variant has not been reported in the literature in individuals affected with SMARCA4-related conditions. ClinVar contains an entry for this variant (Variation ID: 824943). Invitae Evidence Modeling of protein sequence and biophysical properties (such as structural, functional, and spatial information, amino acid conservation, physicochemical variation, residue mobility, and thermodynamic stability) indicates that this missense variant is not expected to disrupt SMARCA4 protein function with a negative predictive value of 95%. In summary, the available evidence is currently insufficient to determine the role of this variant in disease. Therefore, it has been classified as a Variant of Uncertain Significance.

Ambry Genetics
Classification: Likely benign for Hereditary cancer-predisposing syndrome. Last evaluated: 2024-04-10. Review status: criteria provided, single submitter. Criteria: Ambry Variant Classification Scheme 2023. Collection method: clinical testing. Allele origin: germline.

Genome-Nilou Lab
Classification: Uncertain significance for Intellectual disability, autosomal dominant 16. Last evaluated: 2021-07-15. Review status: criteria provided, single submitter. Criteria: ACMG Guidelines, 2015. Collection method: clinical testing. Allele origin: germline. Affected: no.